The following is an entry in ClinVar:

ClinVar aggregate classification (germline): Uncertain significance (1 of 4 stars; one submission).

Submission:

Laboratory for Molecular Medicine, Mass General Brigham Personalized Medicine
Classification: Uncertain significance. Last evaluated: 2011-03-08. Review status: criteria provided, single submitter. Criteria: LMM Criteria. Collection method: clinical testing. Allele origin: germline. Observed: 2 variant alleles.
Comment: The Pro683Ser variant in USH1C has not been reported in the literature nor previ ously identified by our laboratory. Computational analyses (biochemical amino ac id properties, homology, PolyPhen2, SIFT, AlignGVGD) do not provide strong suppo rt for or against pathogenicity. In summary, the clinical significance of this v ariant cannot be determined with certainty at this time.

NM_153676.4(USH1C):c.2047C>T (p.Pro683Ser)

Gene: USH1C (USH1 protein network component harmonin; minus strand). Cytogenetic location: 11p15.1.
Variant type: single nucleotide variant.
Coding change: c.2047C>T on transcript NM_153676.4 (MANE Select); coding-DNA position 2047, C replaced by T.
Protein change: p.Pro683Ser; replaces proline 683 with serine.
Molecular consequence: missense variant. On other transcripts: intron variant (2).
Genome position (GRCh38, 1-based): chr11:17,505,916, G>A on the plus strand (C>T on the coding strand, the complement: USH1C is on the minus strand). VCF-style: chr11-17505916-G-A. GRCh37 (hg19) VCF-style: chr11-17527463-G-A.
Other names: c.1228-3936C>T (NM_001297764.2); c.1285-3936C>T (NM_005709.4); short protein forms P683S.
Identifiers: ClinVar variation 47988 (VCV000047988.5), dbSNP rs397517873, ClinGen allele CA142318.